The following is an entry in ClinVar:

NM_005219.5(DIAPH1):c.3226T>A (p.Phe1076Ile)

Gene: DIAPH1 (diaphanous related formin 1; minus strand). Cytogenetic location: 5q31.3.
Variant type: single nucleotide variant.
Coding change: c.3226T>A on transcript NM_005219.5 (MANE Select); coding-DNA position 3226, T replaced by A.
Protein change: p.Phe1076Ile; replaces phenylalanine 1076 with isoleucine.
Molecular consequence: missense variant.
Genome position (GRCh38, 1-based): chr5:141,527,620, A>T on the plus strand (T>A on the coding strand, the complement: DIAPH1 is on the minus strand). VCF-style: chr5-141527620-A-T. GRCh37 (hg19) VCF-style: chr5-140907187-A-T.
Other names: c.3199T>A, p.Phe1067Ile (NM_001079812.3); c.3226T>A, p.Phe1076Ile (NM_001314007.2); short protein forms F1067I, F1076I.
Identifiers: ClinVar variation 3749086 (VCV003749086.2).

ClinVar aggregate classification (germline): Uncertain significance (1 of 4 stars; one submission).

Conditions:
Progressive microcephaly-seizures-cortical blindness-developmental delay syndrome. Also called: Seizures, cortical blindness, and microcephaly syndrome. Identifiers: Orphanet 477814, MedGen C5567650, MONDO:0014714, OMIM 616632.
Autosomal dominant nonsyndromic hearing loss 1. Also called: KONIGSMARK SYNDROME; DEAFNESS, AUTOSOMAL DOMINANT 1, WITH OR WITHOUT THROMBOCYTOPENIA. Identifiers: Orphanet 90635, MedGen C1852282, MONDO:0007424, OMIM 124900.

Submission:

Labcorp Genetics (formerly Invitae), Labcorp
Classification: Uncertain significance for Progressive microcephaly-seizures-cortical blindness-developmental delay syndrome; Autosomal dominant nonsyndromic hearing loss 1. Last evaluated: 2024-07-31. Review status: criteria provided, single submitter. Criteria: Invitae Variant Classification Sherloc (09022015). Collection method: clinical testing. Allele origin: germline.
Comment: This sequence change replaces phenylalanine, which is neutral and non-polar, with isoleucine, which is neutral and non-polar, at codon 1076 of the DIAPH1 protein (p.Phe1076Ile). This variant is not present in population databases (gnomAD no frequency). This variant has not been reported in the literature in individuals affected with DIAPH1-related conditions. An algorithm developed to predict the effect of missense changes on protein structure and function (PolyPhen-2) suggests that this variant is likely to be disruptive. In summary, the available evidence is currently insufficient to determine the role of this variant in disease. Therefore, it has been classified as a Variant of Uncertain Significance.